The following is an entry in ClinVar:

NM_024675.4(PALB2):c.1891T>C (p.Ser631Pro)

Gene: PALB2 (partner and localizer of BRCA2; minus strand). Cytogenetic location: 16p12.2.
Variant type: single nucleotide variant.
Coding change: c.1891T>C on transcript NM_024675.4 (MANE Select); coding-DNA position 1891, T replaced by C.
Protein change: p.Ser631Pro; replaces serine 631 with proline.
Molecular consequence: missense variant.
Genome position (GRCh38, 1-based): chr16:23,630,263, A>G on the plus strand (T>C on the coding strand, the complement: PALB2 is on the minus strand). VCF-style: chr16-23630263-A-G. GRCh37 (hg19) VCF-style: chr16-23641584-A-G.
Other names: short protein forms S631P.
Identifiers: ClinVar variation 486020 (VCV000486020.19), dbSNP rs1555460600, ClinGen allele CA7963651.

ClinVar aggregate classification (germline): Uncertain significance. Review status: criteria provided, multiple submitters, no conflicts (2 of 4 stars). 6 submissions from 6 submitters: Uncertain significance (6). Last evaluated 2025-06-02.

Conditions:
Hereditary cancer-predisposing syndrome. Also called: Tumor predisposition; Hereditary Cancer Syndrome; Hereditary neoplastic syndrome; Neoplastic Syndromes, Hereditary. Identifiers: Orphanet 140162, MedGen C0027672, MeSH D009386, MONDO:0015356.
Familial cancer of breast. Also called: hereditary breast carcinoma; BREAST CANCER, FAMILIAL; Hereditary breast cancer. Identifiers: Orphanet 227535, MedGen C0346153, MONDO:0016419, OMIM 114480. Disease mechanism: loss of function.

Allele frequency attached by ClinVar (database versions not stated): gnomAD exomes below 0.00001 and 0.00001; ExAC 0.00002.
gnomAD v4.1: 3 of 1,614,122 alleles (0.00019%); highest among the groups gnomAD compares: Non-Finnish European, 0.00025%; no homozygotes.

Submissions (6):

Ambry Genetics
Classification: Uncertain significance for Hereditary cancer-predisposing syndrome. Last evaluated: 2025-06-02. Review status: criteria provided, single submitter. Criteria: Ambry Variant Classification Scheme 2023. Collection method: clinical testing. Allele origin: germline.
Comment: The p.S631P variant (also known as c.1891T>C), located in coding exon 5 of the PALB2 gene, results from a T to C substitution at nucleotide position 1891. The serine at codon 631 is replaced by proline, an amino acid with similar properties. This amino acid position is not well conserved in available vertebrate species. In addition, this alteration is predicted to be tolerated by in silico analysis. Since supporting evidence is limited at this time, the clinical significance of this alteration remains unclear.

Color Diagnostics, LLC DBA Color Health
Classification: Uncertain significance for Hereditary cancer-predisposing syndrome. Last evaluated: 2025-03-04. Review status: criteria provided, single submitter. Criteria: ACMG Guidelines, 2015. Collection method: clinical testing. Allele origin: germline.
Comment: This missense variant replaces serine with proline at codon 631 of the PALB2 protein. Computational prediction suggests that this variant may not impact protein structure and function. To our knowledge, functional studies have not been reported for this variant. This variant has been detected in a breast cancer case-control meta-analysis in 0/60466 cases and 3/53461 unaffected individuals (PMID: 33471991; Leiden Open Variation Database DB-ID PALB2_010964). This variant has been identified in 2/250874 chromosomes in the general population by the Genome Aggregation Database (gnomAD). The available evidence is insufficient to determine the role of this variant in disease conclusively. Therefore, this variant is classified as a Variant of Uncertain Significance.

Labcorp Genetics (formerly Invitae), Labcorp
Classification: Uncertain significance for Familial cancer of breast. Last evaluated: 2023-08-11. Review status: criteria provided, single submitter. Criteria: Invitae Variant Classification Sherloc (09022015). Collection method: clinical testing. Allele origin: germline.
Comment: Advanced modeling of protein sequence and biophysical properties (such as structural, functional, and spatial information, amino acid conservation, physicochemical variation, residue mobility, and thermodynamic stability) performed at Invitae indicates that this missense variant is not expected to disrupt PALB2 protein function. In summary, the available evidence is currently insufficient to determine the role of this variant in disease. Therefore, it has been classified as a Variant of Uncertain Significance. ClinVar contains an entry for this variant (Variation ID: 486020). This variant has not been reported in the literature in individuals affected with PALB2-related conditions. This variant is present in population databases (no rsID available, gnomAD 0.002%). This sequence change replaces serine, which is neutral and polar, with proline, which is neutral and non-polar, at codon 631 of the PALB2 protein (p.Ser631Pro).

Baylor Genetics
Classification: Uncertain significance for Familial cancer of breast. Last evaluated: 2023-05-15. Review status: criteria provided, single submitter. Criteria: ACMG Guidelines, 2015. Collection method: clinical testing. Allele origin: unknown.

Clinical Genetics Laboratory, Skane University Hospital Lund
Classification: Uncertain significance. Last evaluated: 2023-03-13. Review status: criteria provided, single submitter. Criteria: ACMG Guidelines, 2015. Collection method: clinical testing. Allele origin: germline. Affected: yes.

GeneDx
Classification: Uncertain significance. Last evaluated: 2022-09-29. Review status: criteria provided, single submitter. Criteria: GeneDx Variant Classification Process June 2021. Collection method: clinical testing. Allele origin: germline. Affected: yes.
Comment: Not observed at significant frequency in large population cohorts (gnomAD); In silico analysis supports that this missense variant has a deleterious effect on protein structure/function; Has not been previously published as pathogenic or benign to our knowledge; This variant is associated with the following publications: (PMID: 22941656)

Literature cited by the submitters: PubMed 33471991 (cited by Color Diagnostics, LLC DBA Color Health).